The following is an entry in ClinVar:

NM_000093.5(COL5A1):c.2666G>A (p.Gly889Glu)

Gene: COL5A1 (collagen type V alpha 1 chain; plus strand). Cytogenetic location: 9q34.3.
Variant type: single nucleotide variant.
Coding change: c.2666G>A on transcript NM_000093.5 (MANE Select); coding-DNA position 2666, G replaced by A.
Protein change: p.Gly889Glu; replaces glycine 889 with glutamic acid.
Molecular consequence: missense variant.
Genome position (GRCh38, 1-based): chr9:134,789,174, G>A. VCF-style: chr9-134789174-G-A. GRCh37 (hg19) VCF-style: chr9-137681020-G-A.
Other names: c.2666G>A, p.Gly889Glu (NM_001278074.1); short protein forms G889E.
Identifiers: ClinVar variation 3719633 (VCV003719633.2).

ClinVar aggregate classification (germline): Uncertain significance (1 of 4 stars; one submission).

Conditions:
Ehlers-Danlos syndrome, classic type, 1 (EDSCL1). Also called: EHLERS-DANLOS SYNDROME, GRAVIS TYPE; EHLERS-DANLOS SYNDROME, SEVERE CLASSIC TYPE; Ehlers-Danlos syndrome, type 1; Ehlers-Danlos Syndrome, Classic Type, COL5A1-Related; EDS I. Identifiers: MedGen C0268335, MONDO:0019567, OMIM 130000.

Submission:

Labcorp Genetics (formerly Invitae), Labcorp
Classification: Uncertain significance for Ehlers-Danlos syndrome, classic type, 1. Last evaluated: 2024-11-08. Review status: criteria provided, single submitter. Criteria: Invitae Variant Classification Sherloc (09022015). Collection method: clinical testing. Allele origin: germline.
Comment: This sequence change replaces glycine, which is neutral and non-polar, with glutamic acid, which is acidic and polar, at codon 889 of the COL5A1 protein (p.Gly889Glu). This variant is not present in population databases (gnomAD no frequency). This variant has not been reported in the literature in individuals affected with COL5A1-related conditions. Invitae Evidence Modeling of protein sequence and biophysical properties (such as structural, functional, and spatial information, amino acid conservation, physicochemical variation, residue mobility, and thermodynamic stability) indicates that this missense variant is expected to disrupt COL5A1 protein function with a positive predictive value of 95%. This variant disrupts the triple helix domain of COL5A1. Glycine residues within the Gly-Xaa-Yaa repeats of the triple helix domain are required for the structure and stability of fibrillar collagens (PMID: 7695699, 8218237, 19344236), and variants at these glycine residues in COL5A1 are more frequently observed in individuals with disease than in the general population (PMID: 22696272, 23587214). However, the clinical significance of this observation remains uncertain since only a limited number of affected individuals have been described to date. In summary, the available evidence is currently insufficient to determine the role of this variant in disease. Therefore, it has been classified as a Variant of Uncertain Significance.

Literature cited by the submitters: PubMed 7695699; PubMed 8218237; PubMed 19344236; PubMed 22696272; PubMed 23587214.